The following is an entry in ClinVar:

ClinVar aggregate classification (germline): Likely benign. Review status: criteria provided, multiple submitters, no conflicts (2 of 4 stars). 4 submissions from 4 submitters: Likely benign (4). Last evaluated 2025-07-16.

Conditions:
CNGB1-related disorder. Also called: CNGB1-related condition.

Allele frequency attached by ClinVar (database versions not stated): TOPMed 0.00005; gnomAD 0.00007 and 0.00008; gnomAD exomes 0.00007 and 0.00008; ExAC 0.00009.
gnomAD v4.1: 117 of 1,613,948 alleles (0.0072%); highest among the groups gnomAD compares: East Asian, 0.018%; no homozygotes.

Submissions (4):

Labcorp Genetics (formerly Invitae), Labcorp
Classification: Likely benign. Last evaluated: 2025-07-16. Review status: criteria provided, single submitter. Criteria: Invitae Variant Classification Sherloc (09022015). Collection method: clinical testing. Allele origin: germline.

PreventionGenetics, part of Exact Sciences
Classification: Likely benign for CNGB1-related condition. Last evaluated: 2024-11-08. Review status: criteria provided, single submitter. Criteria: ACMG Guidelines, 2015. Collection method: clinical testing. Allele origin: germline.
Comment: This variant is classified as likely benign based on ACMG/AMP sequence variant interpretation guidelines (Richards et al. 2015 PMID: 25741868, with internal and published modifications).

Blueprint Genetics
Classification: Likely benign. Last evaluated: 2024-02-20. Review status: criteria provided, single submitter. Criteria: ACMG Guidelines, 2015. Collection method: clinical testing. Allele origin: germline.

CeGaT Center for Human Genetics Tuebingen
Classification: Likely benign. Last evaluated: 2022-08-01. Review status: criteria provided, single submitter. Criteria: CeGaT Center For Human Genetics Tuebingen Variant Classification Criteria Version 2. Collection method: clinical testing. Allele origin: germline. Affected: yes. Observed: 2 variant alleles.
Comment: CNGB1: BP4, BP7

NM_001297.5(CNGB1):c.1524G>A (p.Ser508=)

Gene: CNGB1 (cyclic nucleotide gated channel subunit beta 1; minus strand). Cytogenetic location: 16q21.
Variant type: single nucleotide variant.
Coding change: c.1524G>A on transcript NM_001297.5 (MANE Select); coding-DNA position 1524, G replaced by A.
Protein change: p.Ser508=; no amino-acid change (serine 508 retained).
Molecular consequence: synonymous variant.
Genome position (GRCh38, 1-based): chr16:57,931,727, C>T on the plus strand (G>A on the coding strand, the complement: CNGB1 is on the minus strand). VCF-style: chr16-57931727-C-T. GRCh37 (hg19) VCF-style: chr16-57965631-C-T.
Other names: c.1506G>A, p.Ser502= (NM_001286130.2); c.1524G>A (NM_001297.4).
Identifiers: ClinVar variation 1117630 (VCV001117630.34), dbSNP rs754744074, ClinGen allele CA8083410.